The following is an entry in ClinVar:

ClinVar aggregate classification (germline): Likely benign (0 of 4 stars; one submission).

Conditions:
CDC42BPB-related disorder.

Allele frequency attached by ClinVar (database versions not stated): TOPMed 0.00001; gnomAD 0.00007; gnomAD exomes 0.00012; ExAC 0.00029; 1000 Genomes Project 30x 0.00031; 1000 Genomes Project 0.00040.
gnomAD v4.1: 176 of 1,613,084 alleles (0.011%); highest among the groups gnomAD compares: South Asian, 0.17%; 2 homozygotes.

Submission:

PreventionGenetics, part of Exact Sciences
Classification: Likely benign for CDC42BPB-related condition. Last evaluated: 2021-08-24. Review status: no assertion criteria provided. Collection method: clinical testing. Allele origin: germline.
Comment: This variant is classified as likely benign based on ACMG/AMP sequence variant interpretation guidelines (Richards et al. 2015 PMID: 25741868, with internal and published modifications).

NM_006035.4(CDC42BPB):c.3998C>T (p.Thr1333Met)

Gene: CDC42BPB (CDC42 binding protein kinase beta; minus strand). Cytogenetic location: 14q32.32.
Variant type: single nucleotide variant.
Coding change: c.3998C>T on transcript NM_006035.4 (MANE Select); coding-DNA position 3998, C replaced by T.
Protein change: p.Thr1333Met; replaces threonine 1333 with methionine.
Molecular consequence: missense variant.
Genome position (GRCh38, 1-based): chr14:102,944,301, G>A on the plus strand (C>T on the coding strand, the complement: CDC42BPB is on the minus strand). VCF-style: chr14-102944301-G-A. GRCh37 (hg19) VCF-style: chr14-103410638-G-A.
Other names: c.3920C>T, p.Thr1307Met (NM_001411054.1); short protein forms T1307M, T1333M.
Identifiers: ClinVar variation 3058424 (VCV003058424.2), dbSNP rs539439670, ClinGen allele CA7360550.